The following is an entry in ClinVar:

ClinVar aggregate classification (germline): Uncertain significance. Review status: criteria provided, multiple submitters, no conflicts (2 of 4 stars). 2 submissions from 2 submitters: Uncertain significance (2). Last evaluated 2023-10-17.

Conditions:
Inborn genetic diseases. Identifiers: MedGen C0950123, MeSH D030342.

Allele frequency attached by ClinVar (database versions not stated): gnomAD exomes below 0.00001; TOPMed 0.00002; gnomAD 0.00003.

Submissions (2):

Labcorp Genetics (formerly Invitae), Labcorp
Classification: Uncertain significance. Last evaluated: 2023-10-17. Review status: criteria provided, single submitter. Criteria: Invitae Variant Classification Sherloc (09022015). Collection method: clinical testing. Allele origin: germline.
Comment: This sequence change replaces proline, which is neutral and non-polar, with leucine, which is neutral and non-polar, at codon 698 of the INPPL1 protein (p.Pro698Leu). This variant is present in population databases (no rsID available, gnomAD 0.008%). This variant has not been reported in the literature in individuals affected with INPPL1-related conditions. ClinVar contains an entry for this variant (Variation ID: 2412293). An algorithm developed to predict the effect of missense changes on protein structure and function (PolyPhen-2) suggests that this variant is likely to be disruptive. In summary, the available evidence is currently insufficient to determine the role of this variant in disease. Therefore, it has been classified as a Variant of Uncertain Significance.

Ambry Genetics
Classification: Uncertain significance for Inborn genetic diseases. Last evaluated: 2022-08-30. Review status: criteria provided, single submitter. Criteria: Ambry Variant Classification Scheme 2023. Collection method: clinical testing. Allele origin: germline.

NM_001567.4(INPPL1):c.2093C>T (p.Pro698Leu)

Gene: INPPL1 (inositol polyphosphate phosphatase like 1; plus strand). Cytogenetic location: 11q13.4.
Variant type: single nucleotide variant.
Coding change: c.2093C>T on transcript NM_001567.4 (MANE Select); coding-DNA position 2093, C replaced by T.
Protein change: p.Pro698Leu; replaces proline 698 with leucine.
Molecular consequence: missense variant.
Genome position (GRCh38, 1-based): chr11:72,233,493, C>T. VCF-style: chr11-72233493-C-T. GRCh37 (hg19) VCF-style: chr11-71944537-C-T.
Other names: short protein forms P698L.
Identifiers: ClinVar variation 2412293 (VCV002412293.4), dbSNP rs950171227, ClinGen allele CA224378444.